The following is an entry in ClinVar:

ClinVar aggregate classification (germline): Benign. Review status: criteria provided, multiple submitters, no conflicts (2 of 4 stars). 2 submissions from 2 submitters: Benign (2). Last evaluated 2018-06-14.

Allele frequency attached by ClinVar (database versions not stated): gnomAD 0.98356 and 0.98377; 1000 Genomes Project 30x 0.97455; gnomAD exomes 0.99230; 1000 Genomes Project 0.97444; TOPMed 0.98277.

Submissions (2):

GeneDx
Classification: Benign. Last evaluated: 2018-06-14. Review status: criteria provided, single submitter. Criteria: GeneDx Variant Classification (06012015). Collection method: clinical testing. Allele origin: germline. Affected: yes.
Comment: This variant is considered likely benign or benign based on one or more of the following criteria: it is a conservative change, it occurs at a poorly conserved position in the protein, it is predicted to be benign by multiple in silico algorithms, and/or has population frequency not consistent with disease.

Breakthrough Genomics
Classification: Benign. Review status: criteria provided, single submitter. Criteria: ACMG Guidelines, 2015. Collection method: not provided. Allele origin: germline. Inheritance: Autosomal recessive inheritance. Affected: yes.

NM_022041.3(GAN):c.-235A>G

Genes: GAN (gigaxonin; plus strand), LOC130059497 (ATAC-STARR-seq lymphoblastoid active region 11178; plus strand). Cytogenetic location: 16q23.2.
Variant type: single nucleotide variant.
Coding change: c.-235A>G on transcript NM_022041.3; 235 bases upstream of the start codon, A replaced by G.
Genome position (GRCh38, 1-based): chr16:81,314,879, A>G. VCF-style: chr16-81314879-A-G. GRCh37 (hg19) VCF-style: chr16-81348484-A-G.
Identifiers: ClinVar variation 673442 (VCV000673442.4), dbSNP rs12597517, ClinGen allele CA16530175.
Genomic context (GRCh38, chr16:81,314,879, plus strand): 5'-TGGTCAGGCGGGCGGAGGAAGGAGGCTTCTGATTGGCCATCTCCAGCAGCGGAGGCGAGA[A>G]GGCGGGGAGCGACGGTGCGGGGGCGTCGCGGAGAAATGACTTCATGACGCGGCTTCTTAA-3'